The following is an entry in ClinVar:

ClinVar aggregate classification (germline): Conflicting classifications of pathogenicity. Review status: criteria provided, conflicting classifications (1 of 4 stars). 3 submissions from 3 submitters: Likely pathogenic (1); Uncertain significance (2). Last evaluated 2025-09-02.

Conditions:
Autosomal dominant nonsyndromic hearing loss 20. Identifiers: Orphanet 90635, MedGen C1858172, MONDO:0011480, OMIM 604717.
Baraitser-winter syndrome 2. Identifiers: Orphanet 2995, MedGen C3281235, MONDO:0013812, OMIM 614583.
ACTG1-related disorder. Also called: ACTG1-related condition; ACTG1-related disorders.

Submissions (3):

Labcorp Genetics (formerly Invitae), Labcorp
Classification: Uncertain significance for Baraitser-winter syndrome 2; Autosomal dominant nonsyndromic hearing loss 20. Last evaluated: 2025-09-02. Review status: criteria provided, single submitter. Criteria: Invitae Variant Classification Sherloc (09022015). Collection method: clinical testing. Allele origin: germline.
Comment: This sequence change replaces alanine, which is neutral and non-polar, with valine, which is neutral and non-polar, at codon 7 of the ACTG1 protein (p.Ala7Val). This variant is not present in population databases (gnomAD no frequency). This variant has not been reported in the literature in individuals affected with ACTG1-related conditions. ClinVar contains an entry for this variant (Variation ID: 2631014). Invitae Evidence Modeling of protein sequence and biophysical properties (such as structural, functional, and spatial information, amino acid conservation, physicochemical variation, residue mobility, and thermodynamic stability) indicates that this missense variant is not expected to disrupt ACTG1 protein function with a negative predictive value of 80%. In summary, the available evidence is currently insufficient to determine the role of this variant in disease. Therefore, it has been classified as a Variant of Uncertain Significance.

Human Genetics Bochum, Ruhr University Bochum
Classification: Likely pathogenic for Autosomal dominant nonsyndromic hearing loss 20. Last evaluated: 2023-11-29. Review status: criteria provided, single submitter. Criteria: ACMG Guidelines, 2015. Collection method: clinical testing. Allele origin: germline. Affected: yes.
Comment: ACMG criteria used to clasify this variant: PS2_MOD, PP3_MOD, PM2_SUP, PP2

PreventionGenetics, part of Exact Sciences
Classification: Uncertain significance for ACTG1-related condition. Last evaluated: 2023-09-06. Review status: criteria provided, single submitter. Criteria: ACMG Guidelines, 2015. Collection method: clinical testing. Allele origin: germline.
Comment: The ACTG1 c.20C>T variant is predicted to result in the amino acid substitution p.Ala7Val. To our knowledge, this variant has not been reported in the literature or in a large population database, indicating this variant is rare. At this time, the clinical significance of this variant is uncertain due to the absence of conclusive functional and genetic evidence.

NM_001614.5(ACTG1):c.20C>T (p.Ala7Val)

Gene: ACTG1 (actin gamma 1; minus strand). Cytogenetic location: 17q25.3.
Variant type: single nucleotide variant.
Coding change: c.20C>T on transcript NM_001614.5 (MANE Select); coding-DNA position 20, C replaced by T.
Protein change: p.Ala7Val; replaces alanine 7 with valine.
Molecular consequence: missense variant. On other transcripts: non-coding transcript variant (1).
Genome position (GRCh38, 1-based): chr17:81,512,335, G>A on the plus strand (C>T on the coding strand, the complement: ACTG1 is on the minus strand). VCF-style: chr17-81512335-G-A. GRCh37 (hg19) VCF-style: chr17-79479361-G-A.
Other names: c.20C>T, p.Ala7Val (NM_001199954.3); short protein forms A7V.
Identifiers: ClinVar variation 2631014 (VCV002631014.3), dbSNP rs2544393285, ClinGen allele CA401463974.